The following is an entry in ClinVar:

ClinVar aggregate classification (germline): Uncertain significance (1 of 4 stars; one submission).

Allele frequency attached by ClinVar (database versions not stated): gnomAD exomes below 0.00001; TOPMed 0.00002.
gnomAD v4.1: 6 of 1,614,186 alleles (0.00037%); highest among the groups gnomAD compares: Admixed American, 0.0033%; no homozygotes.

Submission:

Labcorp Genetics (formerly Invitae), Labcorp
Classification: Uncertain significance. Last evaluated: 2024-10-16. Review status: criteria provided, single submitter. Criteria: Invitae Variant Classification Sherloc (09022015). Collection method: clinical testing. Allele origin: germline.
Comment: This sequence change replaces asparagine, which is neutral and polar, with serine, which is neutral and polar, at codon 76 of the UQCRC2 protein (p.Asn76Ser). This variant is present in population databases (rs775768534, gnomAD 0.003%). This variant has not been reported in the literature in individuals affected with UQCRC2-related conditions. Invitae Evidence Modeling of protein sequence and biophysical properties (such as structural, functional, and spatial information, amino acid conservation, physicochemical variation, residue mobility, and thermodynamic stability) indicates that this missense variant is not expected to disrupt UQCRC2 protein function with a negative predictive value of 80%. In summary, the available evidence is currently insufficient to determine the role of this variant in disease. Therefore, it has been classified as a Variant of Uncertain Significance.

NM_003366.4(UQCRC2):c.227A>G (p.Asn76Ser)

Gene: UQCRC2 (ubiquinol-cytochrome c reductase core protein 2). Cytogenetic location: 16p12.2.
Variant type: single nucleotide variant.
Coding change: c.227A>G on transcript NM_003366.4 (MANE Select); coding-DNA position 227, A replaced by G.
Protein change: p.Asn76Ser; replaces asparagine 76 with serine.
Molecular consequence: missense variant.
Genome position (GRCh38, 1-based): chr16:21,957,526, A>G. VCF-style: chr16-21957526-A-G. GRCh37 (hg19) VCF-style: chr16-21968847-A-G.
Other names: short protein forms N76S.
Identifiers: ClinVar variation 2725306 (VCV002725306.2), dbSNP rs775768534, ClinGen allele CA279606437.